The following is an entry in ClinVar:

ClinVar aggregate classification (germline): Uncertain significance. Review status: criteria provided, multiple submitters, no conflicts (2 of 4 stars). 2 submissions from 2 submitters: Uncertain significance (2). Last evaluated 2023-08-17.

Conditions:
Carney complex, type 1 (CNC1). Also called: CARNEY COMPLEX, TYPE I; CARNEY MYXOMA-ENDOCRINE COMPLEX. Identifiers: Orphanet 1359, MedGen C2607929, MONDO:0008057, OMIM 160980.

Submissions (2):

Labcorp Genetics (formerly Invitae), Labcorp
Classification: Uncertain significance for Carney complex, type 1. Last evaluated: 2023-08-17. Review status: criteria provided, single submitter. Criteria: Invitae Variant Classification Sherloc (09022015). Collection method: clinical testing. Allele origin: germline.
Comment: In summary, the available evidence is currently insufficient to determine the role of this variant in disease. Therefore, it has been classified as a Variant of Uncertain Significance. Experimental studies and prediction algorithms are not available or were not evaluated, and the functional significance of this variant is currently unknown. ClinVar contains an entry for this variant (Variation ID: 1017360). This variant has not been reported in the literature in individuals affected with PRKAR1A-related conditions. This variant is not present in population databases (gnomAD no frequency). This variant, c.856_873del, results in the deletion of 6 amino acid(s) of the PRKAR1A protein (p.Gly286_Glu291del), but otherwise preserves the integrity of the reading frame.

Greenwood Genetic Center Diagnostic Laboratories, Greenwood Genetic Center
Classification: Uncertain significance. Last evaluated: 2023-06-20. Review status: criteria provided, single submitter. Criteria: ACMG Guidelines, 2015. Collection method: clinical testing. Allele origin: germline. Affected: yes.
Comment: PM2, PM4

NM_002734.5(PRKAR1A):c.856_873del (p.Gly286_Glu291del)

Gene: PRKAR1A (protein kinase cAMP-dependent type I regulatory subunit alpha; plus strand). Cytogenetic location: 17q24.2.
Variant type: Deletion.
Coding change: c.856_873del on transcript NM_002734.5 (MANE Select); coding-DNA positions 856 to 873, 18 bases deleted (GGAGAACCAGGGGATGAG).
Protein change: p.Gly286_Glu291del.
Molecular consequence: inframe deletion.
Genome position (GRCh38, 1-based): chr17:68,528,956-68,528,973, GGAGAACCAGGGGATGAG deleted; deleting any 18 consecutive bases within chr17:68,528,954-68,528,973 gives the same sequence; the c. name uses the placement nearest the transcript's 3' end. VCF-style (leftmost placement, unchanged base first): chr17-68528953-CAGGGAGAACCAGGGGATG-C. GRCh37 (hg19) VCF-style: chr17-66525094-CAGGGAGAACCAGGGGATG-C.
Other names: c.856_873del, p.Gly286_Glu291del (NM_001276289.2, NM_001276290.1, NM_001278433.2 and 4 more transcripts); c.856_873del (NM_002734.4).
Identifiers: ClinVar variation 1017360 (VCV001017360.10), dbSNP rs2085879368, ClinGen allele CA2272258592.
Genomic context (GRCh38, chr17:68,528,953, plus strand): 5'-CTTACGGTAGCTGATGCATTGGAACCAGTGCAGTTTGAAGATGGGCAGAAGATTGTGGTG[CAGGGAGAACCAGGGGATG>C]AGTTCTTCATTATTTTAGAGGTAAAGAACTCAGAATTTAATACTTGAATTTTAGAGGTAA-3'